The following is an entry in ClinVar:

ClinVar aggregate classification (germline): Uncertain significance. Review status: criteria provided, multiple submitters, no conflicts (2 of 4 stars). 3 submissions from 3 submitters: Uncertain significance (3). Last evaluated 2025-01-29.

Conditions:
Inborn genetic diseases. Identifiers: MedGen C0950123, MeSH D030342.
Wolcott-Rallison dysplasia. Also called: MED-IDDM SYNDROME; Wolcott-Rallison syndrome. Identifiers: Orphanet 1667, MedGen C0432217, MONDO:0009192, OMIM 226980.

Allele frequency attached by ClinVar (database versions not stated): ESP Exome Variant Server 0.00008.
gnomAD v4.1: 140 of 1,613,262 alleles (0.0087%); highest among the groups gnomAD compares: Non-Finnish European, 0.012%; no homozygotes.

Submissions (3):

Ambry Genetics
Classification: Uncertain significance for Inborn genetic diseases. Last evaluated: 2025-01-29. Review status: criteria provided, single submitter. Criteria: Ambry Variant Classification Scheme 2023. Collection method: clinical testing. Allele origin: germline.

Fulgent Genetics
Classification: Uncertain significance for Wolcott-Rallison dysplasia. Last evaluated: 2024-04-16. Review status: criteria provided, single submitter. Criteria: ACMG Guidelines, 2015. Collection method: clinical testing. Allele origin: germline.

Labcorp Genetics (formerly Invitae), Labcorp
Classification: Uncertain significance. Last evaluated: 2022-07-22. Review status: criteria provided, single submitter. Criteria: Invitae Variant Classification Sherloc (09022015). Collection method: clinical testing. Allele origin: germline.
Comment: This sequence change replaces lysine, which is basic and polar, with threonine, which is neutral and polar, at codon 346 of the EIF2AK3 protein (p.Lys346Thr). This variant is present in population databases (rs200315616, gnomAD 0.004%). This variant has not been reported in the literature in individuals affected with EIF2AK3-related conditions. Algorithms developed to predict the effect of missense changes on protein structure and function (SIFT, PolyPhen-2, Align-GVGD) all suggest that this variant is likely to be tolerated. In summary, the available evidence is currently insufficient to determine the role of this variant in disease. Therefore, it has been classified as a Variant of Uncertain Significance.

NM_004836.7(EIF2AK3):c.1037A>C (p.Lys346Thr)

Gene: EIF2AK3 (eukaryotic translation initiation factor 2 alpha kinase 3; minus strand). Cytogenetic location: 2p11.2.
Variant type: single nucleotide variant.
Coding change: c.1037A>C on transcript NM_004836.7 (MANE Select); coding-DNA position 1037, A replaced by C.
Protein change: p.Lys346Thr; replaces lysine 346 with threonine.
Molecular consequence: missense variant.
Genome position (GRCh38, 1-based): chr2:88,590,571, T>G on the plus strand (A>C on the coding strand, the complement: EIF2AK3 is on the minus strand). VCF-style: chr2-88590571-T-G. GRCh37 (hg19) VCF-style: chr2-88890089-T-G.
Other names: c.584A>C, p.Lys195Thr (NM_001313915.2); c.1037A>C (NM_004836.5); short protein forms K195T, K346T.
Identifiers: ClinVar variation 1913501 (VCV001913501.4), dbSNP rs200315616, ClinGen allele CA1754777.